The following is an entry in ClinVar:

ClinVar aggregate classification (germline): Conflicting classifications of pathogenicity. Review status: criteria provided, conflicting classifications (1 of 4 stars). 3 submissions from 3 submitters: Uncertain significance (1); Likely benign (2). Last evaluated 2025-02-26.

Conditions:
Inborn genetic diseases. Identifiers: MedGen C0950123, MeSH D030342.
Charcot-Marie-Tooth disease axonal type 2S. Also called: CHARCOT-MARIE-TOOTH NEUROPATHY, TYPE 2S; CHARCOT-MARIE-TOOTH DISEASE, AXONAL, AUTOSOMAL RECESSIVE, TYPE 2S. Identifiers: Orphanet 443073, MedGen C4015349, MONDO:0014511, OMIM 616155.
Autosomal recessive distal spinal muscular atrophy 1. Also called: HMN VI; NEURONOPATHY, SEVERE INFANTILE AXONAL, WITH RESPIRATORY FAILURE; SEVERE INFANTILE AXONAL NEUROPATHY WITH RESPIRATORY FAILURE; SPINAL MUSCULAR ATROPHY, DIAPHRAGMATIC; Spinal muscular atrophy with respiratory distress 1; NEURONOPATHY, DISTAL HEREDITARY MOTOR, HARDING TYPE VI. Identifiers: Orphanet 98920, MedGen C1858517, MONDO:0011436, OMIM 604320.

Allele frequency attached by ClinVar (database versions not stated): gnomAD 0.00007 and 0.00009; TOPMed 0.00007; gnomAD exomes 0.00010 and 0.00011; ExAC 0.00015; 1000 Genomes Project 30x 0.00016; 1000 Genomes Project 0.00020.
gnomAD v4.1: 167 of 1,614,082 alleles (0.01%); highest among the groups gnomAD compares: South Asian, 0.068%; no homozygotes.

Submissions (3):

Labcorp Genetics (formerly Invitae), Labcorp
Classification: Likely benign for Autosomal recessive distal spinal muscular atrophy 1; Charcot-Marie-Tooth disease axonal type 2S. Last evaluated: 2025-02-26. Review status: criteria provided, single submitter. Criteria: Invitae Variant Classification Sherloc (09022015). Collection method: clinical testing. Allele origin: germline.

GeneDx
Classification: Uncertain significance. Last evaluated: 2024-12-27. Review status: criteria provided, single submitter. Criteria: GeneDx Variant Classification Process June 2021. Collection method: clinical testing. Allele origin: germline. Affected: yes.
Comment: Reported previously as a de novo variant in a patient from the Pediatric Cardiac Genomics Consortium with an atrial septal defect and ventricular septal defect; a second variant was not identified (PMID: 32368696); In silico analysis indicates that this missense variant does not alter protein structure/function; This variant is associated with the following publications: (PMID: 32368696)

Ambry Genetics
Classification: Likely benign for Inborn genetic diseases. Last evaluated: 2021-12-13. Review status: criteria provided, single submitter. Criteria: Ambry Variant Classification Scheme 2023. Collection method: clinical testing. Allele origin: germline.

NM_002180.3(IGHMBP2):c.2671G>A (p.Val891Ile)

Gene: IGHMBP2 (immunoglobulin mu DNA binding protein 2; plus strand). Cytogenetic location: 11q13.3.
Variant type: single nucleotide variant.
Coding change: c.2671G>A on transcript NM_002180.3 (MANE Select); coding-DNA position 2671, G replaced by A.
Protein change: p.Val891Ile; replaces valine 891 with isoleucine.
Molecular consequence: missense variant.
Genome position (GRCh38, 1-based): chr11:68,938,241, G>A. VCF-style: chr11-68938241-G-A. GRCh37 (hg19) VCF-style: chr11-68705709-G-A.
Other names: short protein forms V891I.
Identifiers: ClinVar variation 534929 (VCV000534929.17), dbSNP rs199614709, ClinGen allele CA6153982.